The following is an entry in ClinVar:

ClinVar aggregate classification (germline): Pathogenic. Review status: criteria provided, multiple submitters, no conflicts (2 of 4 stars). 15 submissions from 15 submitters: Pathogenic (9). 6 of the submissions do not count toward it. Last evaluated 2025-12-18.

Conditions:
Kabuki syndrome 1 (KABUK1). Also called: KMT2D-Related Kabuki Syndrome. Identifiers: Orphanet 2322, MedGen CN030661, MONDO:0007843, OMIM 147920.
KMT2D-related disorder. Also called: KMT2D-Related Disorders.
Kabuki syndrome. Also called: Kabuki make-up syndrome; NIIKAWA-KUROKI SYNDROME. Identifiers: Orphanet 2322, MedGen C0796004, MONDO:0016512.
Intellectual disability. Also called: Intellectual developmental disorder; Intellectual functioning disability; intellectual disabilities. Identifiers: MedGen C3714756, MeSH D008607, MONDO:0001071, HP:0001249.
Inborn genetic diseases. Identifiers: MedGen C0950123, MeSH D030342.

Submissions (15):

Institute for Genomic Medicine, Nationwide Children's Hospital
Classification: Pathogenic for Kabuki syndrome 1. Last evaluated: 2025-12-18. Review status: criteria provided, single submitter. Criteria: ACMG Guidelines, 2015. Collection method: research. Allele origin: de novo. Inheritance: Autosomal dominant inheritance. Affected: yes. Observed: 1 heterozygote.
Comment: The c.6295C>T variant in KMT2D is predicted to cause a nonsense change that would significantly truncate the encoded protein (p.Arg2099*), which is consistent with other reported disease-causing variants. This variant is absent from public databases of human genetic variation. Multiple clinical laboratories have reported this variant as pathogenic to the ClinVar database. We interpret this variant as Pathogenic.

Labcorp Genetics (formerly Invitae), Labcorp
Classification: Pathogenic for Kabuki syndrome. Last evaluated: 2025-09-03. Review status: criteria provided, single submitter. Criteria: Invitae Variant Classification Sherloc (09022015). Collection method: clinical testing. Allele origin: germline.
Comment: This sequence change creates a premature translational stop signal (p.Arg2099*) in the KMT2D gene. It is expected to result in an absent or disrupted protein product. Loss-of-function variants in KMT2D are known to be pathogenic (PMID: 22126750). This variant is not present in population databases (gnomAD no frequency). This premature translational stop signal has been observed in individual(s) with Kabuki syndrome (PMID: 20711175, 27302555, 31846209). In at least one individual the variant was observed to be de novo. ClinVar contains an entry for this variant (Variation ID: 521015). For these reasons, this variant has been classified as Pathogenic.

Daryl Scott Lab, Baylor College of Medicine
Classification: Pathogenic for Kabuki syndrome 1. Last evaluated: 2025-08-25. Review status: criteria provided, single submitter. Criteria: ACMG Guidelines, 2015. Collection method: clinical testing. Allele origin: de novo. Affected: yes. Observed: 1 heterozygote.
Comment: PVS1, PS2, PM2

GeneDx
Classification: Pathogenic. Last evaluated: 2025-04-28. Review status: criteria provided, single submitter. Criteria: GeneDx Variant Classification Process June 2021. Collection method: clinical testing. Allele origin: germline. Affected: yes.
Comment: Nonsense variant predicted to result in protein truncation or nonsense mediated decay in a gene for which loss of function is a known mechanism of disease; Not observed at significant frequency in large population cohorts (gnomAD); This variant is associated with the following publications: (PMID: 34411415, 24633898, 21658225, 27302555, 22126750, 31846209, 37043208, 35904121, 36891680, 25525159, 20711175)

Blueprint Genetics
Classification: Pathogenic for KMT2D-related disorders. Last evaluated: 2024-04-02. Review status: criteria provided, single submitter. Criteria: ACMG Guidelines, 2015. Collection method: clinical testing. Allele origin: germline. Affected: yes. Observed: 1 variant allele.

CeGaT Center for Human Genetics Tuebingen
Classification: Pathogenic. Last evaluated: 2020-10-01. Review status: criteria provided, single submitter. Criteria: CeGaT Center For Human Genetics Tuebingen Variant Classification Criteria Version 2. Collection method: clinical testing. Allele origin: germline. Affected: yes. Observed: 1 variant allele.

Diagnostic Laboratory, Strasbourg University Hospital
Classification: Pathogenic for Intellectual disability. Last evaluated: 2020-04-20. Review status: criteria provided, single submitter. Criteria: ACMG Guidelines, 2015. Collection method: clinical testing. Allele origin: de novo. Inheritance: Autosomal dominant inheritance. Affected: yes. Observed: 1 heterozygote.

Center for Human Genetics, Inc
Classification: Pathogenic for Kabuki syndrome 1. Last evaluated: 2016-11-01. Review status: criteria provided, single submitter. Criteria: ACMG Guidelines, 2015. Collection method: clinical testing. Allele origin: germline. Affected: yes.

Ambry Genetics
Classification: Pathogenic for Inborn genetic diseases. Last evaluated: 2016-03-21. Review status: criteria provided, single submitter. Criteria: Ambry exome assertion method (8-5-2015). Collection method: clinical testing. Allele origin: germline. Affected: yes. Observed: 1 variant allele.

PreventionGenetics, part of Exact Sciences
Classification: Pathogenic for KMT2D-related condition. Last evaluated: 2024-05-16. Review status: no assertion criteria provided. Collection method: clinical testing. Allele origin: germline. Not counted in ClinVar's aggregate classification.
Comment: The KMT2D c.6295C>T variant is predicted to result in premature protein termination (p.Arg2099*). This variant has been reported in individuals with Kabuki syndrome (see for example, Cocciadiferro et al. 2018. PubMed ID: 30107592; reported as de novo in Mellis et al. 2022. PubMed ID: 34411415; Murakami et al. 2020. PubMed ID: 32803813). This variant has not been reported in a large population database, indicating this variant is rare. Nonsense variants in KMT2D are expected to be pathogenic. This variant is interpreted as pathogenic.

Zotz-Klimas Genetics Lab, MVZ Zotz Klimas
Classification: Pathogenic for Kabuki syndrome 1. Last evaluated: 2023-10-09. Review status: no assertion criteria provided. Collection method: clinical testing. Allele origin: germline. Affected: yes. Not counted in ClinVar's aggregate classification.

OMIM
Classification: Pathogenic for KABUKI SYNDROME 1. Last evaluated: 2023-01-04. Review status: no assertion criteria provided. Collection method: literature only. Allele origin: germline. Not counted in ClinVar's aggregate classification.

Centre de Biologie Pathologie Génétique, Centre Hospitalier Universitaire de Lille
Classification: Pathogenic for Kabuki syndrome 1. Last evaluated: 2019-01-01. Review status: no assertion criteria provided. Collection method: clinical testing. Allele origin: de novo. Affected: yes. Not counted in ClinVar's aggregate classification.

Autoinflammatory diseases unit, CHU de Montpellier
Classification: Pathogenic for Kabuki syndrome 1. Last evaluated: 2014-02-10. Review status: no assertion criteria provided. Collection method: clinical testing. Allele origin: unknown. Affected: yes. Observed: 3 variant alleles. Not counted in ClinVar's aggregate classification.

Hong-Tao Li Lab, Institute of Brain Science and Brain-inspired Research, Shandong First Medical University & Shandong Academy of Medical Sciences China
Classification: Pathogenic for Kabuki syndrome 1. Review status: no assertion criteria provided. Collection method: research. Allele origin: germline. Inheritance: Autosomal dominant inheritance. Affected: yes. Observed: 1 variant allele, 1 heterozygote. Not counted in ClinVar's aggregate classification.
Comment: Observed in affected individuals from a Pakistani neurodevelopmental-disorder research cohort of 263 individuals. Classification assigned using the ACMG/AMP framework.

Literature cited by the submitters: PubMed 22126750 (cited by Labcorp Genetics (formerly Invitae), Labcorp); PubMed 20711175 (cited by Labcorp Genetics (formerly Invitae), Labcorp); PubMed 27302555 (cited by Labcorp Genetics (formerly Invitae), Labcorp); PubMed 31846209 (cited by Labcorp Genetics (formerly Invitae), Labcorp and OMIM).

NM_003482.4(KMT2D):c.6295C>T (p.Arg2099Ter)

Gene: KMT2D (lysine methyltransferase 2D; minus strand). Cytogenetic location: 12q13.12.
Variant type: single nucleotide variant.
Coding change: c.6295C>T on transcript NM_003482.4 (MANE Select); coding-DNA position 6295, C replaced by T.
Protein change: p.Arg2099Ter; replaces arginine 2099 with a stop codon.
Molecular consequence: nonsense.
Genome position (GRCh38, 1-based): chr12:49,041,475, G>A on the plus strand (C>T on the coding strand, the complement: KMT2D is on the minus strand). VCF-style: chr12-49041475-G-A. GRCh37 (hg19) VCF-style: chr12-49435258-G-A.
Other names: short protein forms R2099*.
Identifiers: ClinVar variation 521015 (VCV000521015.53), dbSNP rs1452715535, ClinGen allele CA384751452.